The following is an entry in ClinVar:

NM_021620.4(PRDM13):c.1249G>T (p.Gly417Ter)

Gene: PRDM13 (PR/SET domain 13; plus strand). Cytogenetic location: 6q16.2.
Variant type: single nucleotide variant.
Coding change: c.1249G>T on transcript NM_021620.4 (MANE Select); coding-DNA position 1249, G replaced by T.
Protein change: p.Gly417Ter; replaces glycine 417 with a stop codon.
Molecular consequence: nonsense.
Genome position (GRCh38, 1-based): chr6:99,613,884, G>T. VCF-style: chr6-99613884-G-T. GRCh37 (hg19) VCF-style: chr6-100061760-G-T.
Other names: short protein forms G417*.
Identifiers: ClinVar variation 4852426 (VCV004852426.1).
Genomic context (GRCh38, chr6:99,613,884, plus strand): 5'-GAAGAGGCGTCCGCCTTCAAGCACGTGGAGCGCGCCCCGCCCGCAGCCGCCGCGCTGCCA[G>T]GAGCGCGTTATGCGCAGCTGCCCCCTGCGCCGGGGTTGCCCCTCGAGCGCTGCGCGCTGC-3'

ClinVar aggregate classification (germline): Likely pathogenic (1 of 4 stars; one submission).

Conditions:
Pontocerebellar hypoplasia, IIA 17. Also called: PONTOCEREBELLAR HYPOPLASIA, TYPE 17. Identifiers: MedGen C5676999, MONDO:0030890, OMIM 619909.

Submission:

Department of Genetics, Sultan Qaboos University Hospital
Classification: Likely pathogenic for Pontocerebellar hypoplasia, IIA 17. Last evaluated: 2026-04-01. Review status: criteria provided, single submitter. Criteria: ACMG Guidelines, 2015. Collection method: clinical testing. Allele origin: germline. Affected: yes. Observed: 1 variant allele.
Comment: PVS1_strong, PP1_Moderate, PM2_Supporting